The following is an entry in ClinVar:

ClinVar aggregate classification (germline): Pathogenic. Review status: criteria provided, single submitter (1 of 4 stars). 2 submissions from 2 submitters: Pathogenic (1). 1 of the submissions does not count toward it. Last evaluated 2024-09-23.

Conditions:
Sengers syndrome. Also called: MITOCHONDRIAL DNA DEPLETION SYNDROME 10 (CARDIOMYOPATHIC TYPE); Cardiomyopathy and cataract. Identifiers: Orphanet 1369, MedGen C1859317, MONDO:0008922, OMIM 212350.
Cataract 38. Also called: Cataract 38, autosomal recessive; Cataract, autosomal recessive congenital 5. Identifiers: Orphanet 91492, MedGen C3553494, MONDO:0013859, OMIM 614691.

Allele frequency attached by ClinVar (database versions not stated): gnomAD exomes below 0.00001.
gnomAD v4.1: 1 of 1,613,950 alleles (0.000062%); highest among the groups gnomAD compares: Non-Finnish European, 0.000085%; no homozygotes.

Submissions (2):

Labcorp Genetics (formerly Invitae), Labcorp
Classification: Pathogenic for Sengers syndrome; Cataract 38. Last evaluated: 2024-09-23. Review status: criteria provided, single submitter. Criteria: Invitae Variant Classification Sherloc (09022015). Collection method: clinical testing. Allele origin: germline.
Comment: This sequence change affects a donor splice site in intron 15 of the AGK gene. While this variant is not anticipated to result in nonsense mediated decay, it likely alters RNA splicing and results in a disrupted protein product. This variant is not present in population databases (gnomAD no frequency). Disruption of this splice site has been observed in individual(s) with Sengers syndrome (PMID: 34164355). ClinVar contains an entry for this variant (Variation ID: 987518). Variants that disrupt the consensus splice site are a relatively common cause of aberrant splicing (PMID: 17576681, 9536098). Algorithms developed to predict the effect of sequence changes on RNA splicing suggest that this variant may disrupt the consensus splice site. This variant disrupts a region of the AGK protein in which other variant(s) (p.Tyr390Serfs*9) have been determined to be pathogenic (internal data). This suggests that this is a clinically significant region of the protein, and that variants that disrupt it are likely to be disease-causing. For these reasons, this variant has been classified as Pathogenic.

Department of Heart Center, Qingdao Women and Children's Hospital
Classification: Likely pathogenic for Sengers syndrome. Review status: no assertion criteria provided. Collection method: curation. Allele origin: inherited. Affected: yes. Not counted in ClinVar's aggregate classification.

Literature cited by the submitters: PubMed 34164355 (cited by Labcorp Genetics (formerly Invitae), Labcorp); PubMed 17576681 (cited by Labcorp Genetics (formerly Invitae), Labcorp); PubMed 9536098 (cited by Labcorp Genetics (formerly Invitae), Labcorp); PubMed 28868593 (cited by Department of Heart Center, Qingdao Women and Children's Hospital); PubMed 25208612 (cited by Department of Heart Center, Qingdao Women and Children's Hospital); PubMed 23266196 (cited by Department of Heart Center, Qingdao Women and Children's Hospital).

NM_018238.4(AGK):c.1131+2T>C

Gene: AGK (acylglycerol kinase; plus strand). Cytogenetic location: 7q34.
Variant type: single nucleotide variant.
Coding change: c.1131+2T>C on transcript NM_018238.4 (MANE Select); the canonical splice donor site of the intron after coding-DNA position 1131, T replaced by C.
Molecular consequence: splice donor variant.
Genome position (GRCh38, 1-based): chr7:141,651,611, T>C. VCF-style: chr7-141651611-T-C. GRCh37 (hg19) VCF-style: chr7-141351411-T-C.
Identifiers: ClinVar variation 987518 (VCV000987518.4), dbSNP rs1797560612, ClinGen allele CA369542452.
Genomic context (GRCh38, chr7:141,651,611, plus strand): 5'-TGCACGTGGAGGGCACGGAGTGTCTCCAAGCCAGCCAGTGCACTTTGCTTATCCCGGAGG[T>C]GAGTGGGGAAGGGGTCGGTAGTCACAGCATTTGATTCGTTCGTCATCGGCCTGCCCCTCT-3'